The following is an entry in ClinVar:

NM_024675.4(PALB2):c.2743G>C (p.Ala915Pro)

Gene: PALB2 (partner and localizer of BRCA2; minus strand). Cytogenetic location: 16p12.2.
Variant type: single nucleotide variant.
Coding change: c.2743G>C on transcript NM_024675.4 (MANE Select); coding-DNA position 2743, G replaced by C.
Protein change: p.Ala915Pro; replaces alanine 915 with proline.
Molecular consequence: missense variant. On other transcripts: intron variant (3).
Genome position (GRCh38, 1-based): chr16:23,626,241, C>G on the plus strand (G>C on the coding strand, the complement: PALB2 is on the minus strand). VCF-style: chr16-23626241-C-G. GRCh37 (hg19) VCF-style: chr16-23637562-C-G.
Other names: c.2683G>C, p.Ala895Pro (NM_001407296.1); c.2671G>C, p.Ala891Pro (NM_001407297.1); c.2743G>C, p.Ala915Pro (NM_001407299.1, NM_001407300.1, NM_001407301.1); c.1858G>C, p.Ala620Pro (NM_001407304.1, NM_001407305.1, NM_001407306.1 and 4 more transcripts); c.955G>C, p.Ala319Pro (NM_001407312.1, NM_001407313.1); c.277G>C, p.Ala93Pro (NM_001407314.1); c.2587-2147G>C (NM_001407302.1, NM_001407298.1); c.1702-2147G>C (NM_001407307.1); short protein forms A620P, A915P, A93P, A319P, A891P, A895P.
Identifiers: ClinVar variation 3572311 (VCV003572311.1).

ClinVar aggregate classification (germline): Uncertain significance (1 of 4 stars; one submission).

Submission:

Quest Diagnostics Nichols Institute San Juan Capistrano
Classification: Uncertain significance. Last evaluated: 2024-08-22. Review status: criteria provided, single submitter. Criteria: Quest Diagnostics criteria. Collection method: clinical testing. Allele origin: unknown.
Comment: The PALB2 c.2743G>C (p.Ala915Pro) variant has not been reported in individuals with PALB2-related conditions in the published literature. It also has not been reported in large, multi-ethnic general populations (Genome Aggregation Database). Analysis of this variant using bioinformatics tools for the prediction of the effect of amino acid changes on protein structure and function yielded predictions that this variant is benign. Based on the available information, we are unable to determine the clinical significance of this variant.